The following is an entry in ClinVar:

ClinVar aggregate classification (germline): Uncertain significance (1 of 4 stars; one submission).

Conditions:
Autosomal recessive mendelian susceptibility to mycobacterial diseases due to complete RORgamma receptor deficiency. Also called: Immunodeficiency 42. Identifiers: Orphanet 477857, MedGen C5567647, MONDO:0014710, OMIM 616622.

Allele frequency attached by ClinVar (database versions not stated): TOPMed 0.00001; gnomAD 0.00002 and 0.00003; ExAC 0.00003; gnomAD exomes 0.00003.
gnomAD v4.1: 34 of 1,609,906 alleles (0.0021%); highest among the groups gnomAD compares: South Asian, 0.0066%; no homozygotes.

Submission:

Labcorp Genetics (formerly Invitae), Labcorp
Classification: Uncertain significance for Autosomal recessive mendelian susceptibility to mycobacterial diseases due to complete RORgamma receptor deficiency. Last evaluated: 2025-11-04. Review status: criteria provided, single submitter. Criteria: Invitae Variant Classification Sherloc (09022015). Collection method: clinical testing. Allele origin: germline.
Comment: This sequence change replaces valine, which is neutral and non-polar, with isoleucine, which is neutral and non-polar, at codon 277 of the RORC protein (p.Val277Ile). This variant is present in population databases (rs201219763, gnomAD 0.007%). This variant has not been reported in the literature in individuals affected with RORC-related conditions. ClinVar contains an entry for this variant (Variation ID: 1434246). An algorithm developed to predict the effect of missense changes on protein structure and function (PolyPhen-2) suggests that this variant is likely to be tolerated. In summary, the available evidence is currently insufficient to determine the role of this variant in disease. Therefore, it has been classified as a Variant of Uncertain Significance.

NM_005060.4(RORC):c.829G>A (p.Val277Ile)

Gene: RORC (RAR related orphan receptor C; minus strand). Cytogenetic location: 1q21.3.
Variant type: single nucleotide variant.
Coding change: c.829G>A on transcript NM_005060.4 (MANE Select); coding-DNA position 829, G replaced by A.
Protein change: p.Val277Ile; replaces valine 277 with isoleucine.
Molecular consequence: missense variant.
Genome position (GRCh38, 1-based): chr1:151,814,678, C>T on the plus strand (G>A on the coding strand, the complement: RORC is on the minus strand). VCF-style: chr1-151814678-C-T. GRCh37 (hg19) VCF-style: chr1-151787154-C-T.
Other names: c.766G>A, p.Val256Ile (NM_001001523.2); short protein forms V256I, V277I.
Identifiers: ClinVar variation 1434246 (VCV001434246.8), dbSNP rs201219763, ClinGen allele CA1095829.